The following is an entry in ClinVar:

NM_001375405.1(CEP120):c.2075G>A (p.Arg692Gln)

Gene: CEP120 (centrosomal protein 120; minus strand). Cytogenetic location: 5q23.2.
Variant type: single nucleotide variant.
Coding change: c.2075G>A on transcript NM_001375405.1 (MANE Select); coding-DNA position 2075, G replaced by A.
Protein change: p.Arg692Gln; replaces arginine 692 with glutamine.
Molecular consequence: missense variant. On other transcripts: non-coding transcript variant (1).
Genome position (GRCh38, 1-based): chr5:123,382,139, C>T on the plus strand (G>A on the coding strand, the complement: CEP120 is on the minus strand). VCF-style: chr5-123382139-C-T. GRCh37 (hg19) VCF-style: chr5-122717833-C-T.
Other names: c.1997G>A, p.Arg666Gln (NM_001166226.2); c.1940G>A, p.Arg647Gln (NM_001375406.1); c.2075G>A, p.Arg692Gln (NM_001375407.1, NM_153223.4); c.1502G>A, p.Arg501Gln (NM_001375408.1, NM_001375409.1); short protein forms R501Q, R647Q, R666Q, R692Q.
Identifiers: ClinVar variation 3360157 (VCV003360157.1).

ClinVar aggregate classification (germline): Uncertain significance (1 of 4 stars; one submission).

Submission:

GeneDx
Classification: Uncertain significance. Last evaluated: 2023-06-23. Review status: criteria provided, single submitter. Criteria: GeneDx Variant Classification Process June 2021. Collection method: clinical testing. Allele origin: germline. Affected: yes.
Comment: Not observed at significant frequency in large population cohorts (gnomAD); In silico analysis supports that this missense variant does not alter protein structure/function; Has not been previously published as pathogenic or benign to our knowledge